The following is an entry in ClinVar:

ClinVar aggregate classification (germline): Likely benign (0 of 4 stars; one submission).

Conditions:
PCM1-related disorder. Also called: PCM1-related condition.

gnomAD v4.1: 2,548 of 1,613,770 alleles (0.16%); highest among the groups gnomAD compares: Non-Finnish European, 0.18%; 3 homozygotes.

Submission:

PreventionGenetics, part of Exact Sciences
Classification: Likely benign for PCM1-related condition. Last evaluated: 2024-07-09. Review status: no assertion criteria provided. Collection method: clinical testing. Allele origin: germline.
Comment: This variant is classified as likely benign based on ACMG/AMP sequence variant interpretation guidelines (Richards et al. 2015 PMID: 25741868, with internal and published modifications).

NM_006197.4(PCM1):c.2959G>A (p.Val987Met)

Gene: PCM1 (pericentriolar material 1; plus strand). Cytogenetic location: 8p22.
Variant type: single nucleotide variant.
Coding change: c.2959G>A on transcript NM_006197.4 (MANE Select); coding-DNA position 2959, G replaced by A.
Protein change: p.Val987Met; replaces valine 987 with methionine.
Molecular consequence: missense variant. On other transcripts: non-coding transcript variant (1).
Genome position (GRCh38, 1-based): chr8:17,966,102, G>A. VCF-style: chr8-17966102-G-A. GRCh37 (hg19) VCF-style: chr8-17823611-G-A.
Other names: c.2959G>A, p.Val987Met (NM_001315507.2, NM_001352634.2, NM_001352639.2 and 13 more transcripts); c.2962G>A, p.Val988Met (NM_001315508.2, NM_001352635.2, NM_001352640.2 and 2 more transcripts); c.3076G>A, p.Val1026Met (NM_001352632.2, NM_001352633.2, NM_001352637.2 and 4 more transcripts); c.3079G>A, p.Val1027Met (NM_001352636.2); short protein forms V1026M, V1027M, V987M, V988M.
Identifiers: ClinVar variation 3350298 (VCV003350298.1).